The following is an entry in ClinVar:

ClinVar aggregate classification (germline): Uncertain significance. Review status: criteria provided, multiple submitters, no conflicts (2 of 4 stars). 2 submissions from 2 submitters: Uncertain significance (2). Last evaluated 2025-12-22.

Conditions:
Baller-Gerold syndrome (BGS). Also called: CRANIOSYNOSTOSIS WITH RADIAL DEFECTS. Identifiers: Orphanet 1225, MedGen C0265308, MONDO:0009039, OMIM 218600.
Inborn genetic diseases. Identifiers: MedGen C0950123, MeSH D030342.

Submissions (2):

Ambry Genetics
Classification: Uncertain significance for Inborn genetic diseases. Last evaluated: 2025-12-22. Review status: criteria provided, single submitter. Criteria: Ambry Variant Classification Scheme 2023. Collection method: clinical testing. Allele origin: germline.
Comment: The p.S702C variant (also known as c.2105C>G), located in coding exon 13 of the RECQL4 gene, results from a C to G substitution at nucleotide position 2105. The serine at codon 702 is replaced by cysteine, an amino acid with dissimilar properties. This amino acid position is conserved. In addition, this alteration is predicted to be deleterious by in silico analysis. Based on the available evidence, the clinical significance of this variant remains unclear.

Labcorp Genetics (formerly Invitae), Labcorp
Classification: Uncertain significance for Baller-Gerold syndrome. Last evaluated: 2019-07-31. Review status: criteria provided, single submitter. Criteria: Invitae Variant Classification Sherloc (09022015). Collection method: clinical testing. Allele origin: germline.
Comment: In summary, the available evidence is currently insufficient to determine the role of this variant in disease. Therefore, it has been classified as a Variant of Uncertain Significance. This sequence change replaces serine with cysteine at codon 702 of the RECQL4 protein (p.Ser702Cys). The serine residue is highly conserved and there is a moderate physicochemical difference between serine and cysteine. This variant is not present in population databases (ExAC no frequency). This variant has not been reported in the literature in individuals with RECQL4-related conditions. Algorithms developed to predict the effect of missense changes on protein structure and function are either unavailable or do not agree on the potential impact of this missense change (SIFT: "Deleterious"; PolyPhen-2: "Not available"; Align-GVGD: "Class C65").

NM_004260.4(RECQL4):c.2105C>G (p.Ser702Cys)

Gene: RECQL4 (RecQ like helicase 4; minus strand). Cytogenetic location: 8q24.3.
Variant type: single nucleotide variant.
Coding change: c.2105C>G on transcript NM_004260.4 (MANE Select); coding-DNA position 2105, C replaced by G.
Protein change: p.Ser702Cys; replaces serine 702 with cysteine.
Molecular consequence: missense variant.
Genome position (GRCh38, 1-based): chr8:144,513,666, G>C on the plus strand (C>G on the coding strand, the complement: RECQL4 is on the minus strand). VCF-style: chr8-144513666-G-C. GRCh37 (hg19) VCF-style: chr8-145739050-G-C.
Other names: short protein forms S702C.
Identifiers: ClinVar variation 934875 (VCV000934875.5), dbSNP rs1320752740, ClinGen allele CA372679932.